The following is an entry in ClinVar:

NM_001367624.2(ZNF469):c.3990dup (p.Val1331fs)

Gene: ZNF469 (zinc finger protein 469; plus strand). Cytogenetic location: 16q24.2.
Variant type: Duplication.
Coding change: c.3990dup on transcript NM_001367624.2 (MANE Select); coding-DNA position 3990, one base duplicated (C; older notation c.3990dupC).
Protein change: p.Val1331fs; shifts the reading frame from valine 1331.
Molecular consequence: frameshift variant.
Genome position (GRCh38, 1-based): chr16:88,431,460, C duplicated; the last of 3 consecutive C bases (chr16:88,431,458-88,431,460); duplicating any one gives the same sequence. VCF-style (leftmost placement, unchanged base first): chr16-88431457-A-AC. GRCh37 (hg19) VCF-style: chr16-88497865-A-AC.
Other names: short protein forms V1331fs.
Identifiers: ClinVar variation 4700832 (VCV004700832.1).
Genomic context (GRCh38, chr16:88,431,457, plus strand): 5'-GGCCCCAGTCTCCCACAACAGCAAGGACCCCCCTGCCCGCCAGCCTGGAGAATTTCTGGC[A>AC]CCCGTGGCTAACCCCTCAAGTACCGCCTGCCCCAAACCCAGTGTTCTGTCTTCAAAGATC-3'

ClinVar aggregate classification (germline): Pathogenic (1 of 4 stars; one submission).

Submission:

Labcorp Genetics (formerly Invitae), Labcorp
Classification: Pathogenic. Last evaluated: 2025-12-01. Review status: criteria provided, single submitter. Criteria: Invitae Variant Classification Sherloc (09022015). Collection method: clinical testing. Allele origin: germline.
Comment: This sequence change creates a premature translational stop signal (p.Val1303Argfs*3) in the ZNF469 gene. While this is not anticipated to result in nonsense mediated decay, it is expected to disrupt the last 2623 amino acid(s) of the ZNF469 protein. This variant is not present in population databases (gnomAD no frequency). This variant has not been reported in the literature in individuals affected with ZNF469-related conditions. This variant disrupts a region of the ZNF469 protein in which other variant(s) (p.Pro3556Glnfs*136) have been determined to be pathogenic (PMID: 32671420). This suggests that this is a clinically significant region of the protein, and that variants that disrupt it are likely to be disease-causing. For these reasons, this variant has been classified as Pathogenic.

Literature cited by the submitters: PubMed 32671420.